The following is an entry in ClinVar:

NM_015662.3(IFT172):c.706C>G (p.Arg236Gly)

Gene: IFT172 (intraflagellar transport 172; minus strand). Cytogenetic location: 2p23.3.
Variant type: single nucleotide variant.
Coding change: c.706C>G on transcript NM_015662.3 (MANE Select); coding-DNA position 706, C replaced by G.
Protein change: p.Arg236Gly; replaces arginine 236 with glycine.
Molecular consequence: missense variant.
Genome position (GRCh38, 1-based): chr2:27,481,125, G>C on the plus strand (C>G on the coding strand, the complement: IFT172 is on the minus strand). VCF-style: chr2-27481125-G-C. GRCh37 (hg19) VCF-style: chr2-27703992-G-C.
Other names: c.706C>G (NM_015662.2); short protein forms R236G.
Identifiers: ClinVar variation 1024107 (VCV001024107.10), dbSNP rs146290725, ClinGen allele CA1580894.

ClinVar aggregate classification (germline): Uncertain significance. Review status: criteria provided, multiple submitters, no conflicts (2 of 4 stars). 3 submissions from 3 submitters: Uncertain significance (2). 1 of the submissions does not count toward it. Last evaluated 2025-11-26.

Conditions:
Retinitis pigmentosa 71 (RP71). Identifiers: Orphanet 791, MedGen C4225342, MONDO:0014618, OMIM 616394.
Bardet-Biedl syndrome 20. Identifiers: MedGen C4310707, MONDO:0023670, OMIM 619471, MONDO:0014926.
Short-rib thoracic dysplasia 10 with or without polydactyly (SRTD10). Identifiers: Orphanet 474, MedGen C3810175, MONDO:0014284, OMIM 615630.
IFT172-related disorder. Also called: IFT172-related condition; IFT172-related disorders.

gnomAD v4.1: 11 of 1,613,844 alleles (0.00068%); highest among the groups gnomAD compares: Admixed American, 0.015%; no homozygotes.

Submissions (3):

Labcorp Genetics (formerly Invitae), Labcorp
Classification: Uncertain significance for Retinitis pigmentosa 71; Short-rib thoracic dysplasia 10 with or without polydactyly. Last evaluated: 2025-11-26. Review status: criteria provided, single submitter. Criteria: Invitae Variant Classification Sherloc (09022015). Collection method: clinical testing. Allele origin: germline.
Comment: This sequence change replaces arginine, which is basic and polar, with glycine, which is neutral and non-polar, at codon 236 of the IFT172 protein (p.Arg236Gly). This variant is present in population databases (rs146290725, gnomAD 0.02%). This variant has not been reported in the literature in individuals affected with IFT172-related conditions. ClinVar contains an entry for this variant (Variation ID: 1024107). Invitae Evidence Modeling of protein sequence and biophysical properties (such as structural, functional, and spatial information, amino acid conservation, physicochemical variation, residue mobility, and thermodynamic stability) indicates that this missense variant is not expected to disrupt IFT172 protein function with a negative predictive value of 95%. In summary, the available evidence is currently insufficient to determine the role of this variant in disease. Therefore, it has been classified as a Variant of Uncertain Significance.

Fulgent Genetics
Classification: Uncertain significance for Short-rib thoracic dysplasia 10 with or without polydactyly; Retinitis pigmentosa 71; Bardet-Biedl syndrome 20. Last evaluated: 2024-03-26. Review status: criteria provided, single submitter. Criteria: ACMG Guidelines, 2015. Collection method: clinical testing. Allele origin: germline.

PreventionGenetics, part of Exact Sciences
Classification: Uncertain significance for IFT172-related condition. Last evaluated: 2024-05-21. Review status: no assertion criteria provided. Collection method: clinical testing. Allele origin: germline. Not counted in ClinVar's aggregate classification.
Comment: The IFT172 c.706C>G variant is predicted to result in the amino acid substitution p.Arg236Gly. To our knowledge, this variant has not been reported in the literature. This variant is reported in 0.023% of alleles in individuals of Latino descent in gnomAD. At this time, the clinical significance of this variant is uncertain due to the absence of conclusive functional and genetic evidence.